The following is an entry in ClinVar:

ClinVar aggregate classification (germline): Conflicting classifications of pathogenicity. Review status: criteria provided, conflicting classifications (1 of 4 stars). 7 submissions from 7 submitters: Uncertain significance (6); Likely benign (1). Last evaluated 2025-02-07.

Conditions:
Breast-ovarian cancer, familial, susceptibility to, 2 (BROVCA2). Also called: BRCA2 Hereditary Breast and Ovarian Cancer. Identifiers: Orphanet 145, MedGen C2675520, MONDO:0012933, OMIM 612555. Disease mechanism: loss of function.
Hereditary cancer-predisposing syndrome. Also called: Hereditary neoplastic syndrome; Tumor predisposition; Neoplastic Syndromes, Hereditary; Hereditary Cancer Syndrome. Identifiers: Orphanet 140162, MedGen C0027672, MeSH D009386, MONDO:0015356.

Allele frequency attached by ClinVar (database versions not stated): gnomAD exomes 0.00001; TOPMed 0.00001.

Submissions (7):

ARUP Laboratories, Molecular Genetics and Genomics, ARUP Laboratories
Classification: Uncertain significance. Last evaluated: 2025-02-07. Review status: criteria provided, single submitter. Criteria: ARUP Molecular Germline Variant Investigation Process 2024. Collection method: clinical testing. Allele origin: germline.
Comment: The BRCA2 c.1295A>C; p.Glu432Ala variant (rs1161226532, ClinVar Variation ID 434535) is reported in the literature in a healthy cohort and in one individual affected with breast cancer (Bhaskaran 2021, Momozawa 2018, Okawa 2023). This variant is also absent from the Genome Aggregation Database (v2.1.1), indicating it is not a common polymorphism. Computational analyses are uncertain whether this variant is neutral or deleterious (REVEL: 0.229). Due to limited information, the clinical significance of this variant is uncertain at this time. References: Bhaskaran SP et al. Ethnic-specific BRCA1/2 variation within Asia population: evidence from over 78 000 cancer and 40 000 non-cancer cases of Indian, Chinese, Korean and Japanese populations. J Med Genet. 2021 Nov. PMID: 32963034. Momozawa Y et al. Germline pathogenic variants of 11 breast cancer genes in 7,051 Japanese patients and 11,241 controls. Nat Commun. 2018 Oct 4. PMID: 30287823. Okawa Y et al. Hereditary cancer variants and homologous recombination deficiency in biliary tract cancer. J Hepatol. 2023 Feb. PMID: 36243179.

GeneDx
Classification: Uncertain significance. Last evaluated: 2024-03-10. Review status: criteria provided, single submitter. Criteria: GeneDx Variant Classification Process June 2021. Collection method: clinical testing. Allele origin: germline. Affected: yes.
Comment: Observed in individuals with breast or colorectal cancer, as well as in unaffected controls (PMID: 30287823, 33309985, 23192404); Not observed at significant frequency in large population cohorts (gnomAD); In silico analysis supports that this missense variant does not alter protein structure/function; Also known as 1523A>C; This variant is associated with the following publications: (PMID: 29884841, 32377563, 23192404, 30287823, 31131967, 36243179, 33309985)

All of Us Research Program, National Institutes of Health
Classification: Uncertain significance for Breast-ovarian cancer, familial, susceptibility to, 2. Last evaluated: 2024-01-11. Review status: criteria provided, single submitter. Criteria: ACMG Guidelines, 2015. Collection method: clinical testing. Allele origin: germline. Inheritance: Autosomal dominant inheritance. Observed: 1 variant allele, 1 heterozygote.
Comment: This missense variant replaces glutamic acid with alanine at codon 432 of the BRCA2 protein. Computational prediction suggests that this variant may not impact protein structure and function (internally defined REVEL score threshold <= 0.5, PMID: 27666373). Splice site prediction tools suggest that this variant may not impact RNA splicing. To our knowledge, functional studies have not been performed for this variant. This variant has been reported in an individual affected with triple negative breast cancer in the literature (PMID 23192404). This variant has not been identified in the general population by the Genome Aggregation Database (gnomAD). The available evidence is insufficient to determine the role of this variant in disease conclusively. Therefore, this variant is classified as a Variant of Uncertain Significance.

This study involves interpretation of variants in research participants for the purpose of population health screening. Participant phenotype was not available at the time of variant classification. Additional details can be found in publication PMID: 35346344, PMCID: PMC8962531

University of Washington Department of Laboratory Medicine, University of Washington
Classification: Likely benign for Hereditary cancer-predisposing syndrome. Last evaluated: 2023-03-23. Review status: criteria provided, single submitter. Criteria: Dines et al. (Genet Med. 2020). Collection method: curation. Allele origin: germline.
Comment: Missense variant in a coldspot region where missense variants are very unlikely to be pathogenic (PMID:31911673).

BRCA2 exon 10 coldspot. Reclassification based on statistical prior probability.

Ambry Genetics
Classification: Uncertain significance for Hereditary cancer-predisposing syndrome. Last evaluated: 2022-07-21. Review status: criteria provided, single submitter. Criteria: Ambry Variant Classification Scheme 2023. Collection method: clinical testing. Allele origin: germline.
Comment: The p.E432A variant (also known as c.1295A>C), located in coding exon 9 of the BRCA2 gene, results from an A to C substitution at nucleotide position 1295. The glutamic acid at codon 432 is replaced by alanine, an amino acid with dissimilar properties. This alteration was observed with an allele frequency of 0.00043 in 7,051 unselected female breast cancer patients and was observed with an allele frequency of 0.00044 in 11,241 female controls of Japanese ancestry. In addition, it was not observed in unselected male breast cancer patients and was observed with an allele frequency of 0.0001 in 12,490 male controls of Japanese ancestry (Momozawa Y et al. Nat Commun, 2018 10;9:4083). This variant has also been identified in 2/12503 unselected Japanese colorectal cancer patients and in 6/23705 controls. (Fujita M et al. Clin Gastroenterol Hepatol, 2020 Dec;:). This amino acid position is not well conserved in available vertebrate species. In addition, this alteration is predicted to be tolerated by in silico analysis. Since supporting evidence is limited at this time, the clinical significance of this alteration remains unclear.

Quest Diagnostics Nichols Institute San Juan Capistrano
Classification: Uncertain significance. Last evaluated: 2018-06-20. Review status: criteria provided, single submitter. Criteria: Quest Diagnostics criteria. Collection method: clinical testing. Allele origin: germline.

Genetic Services Laboratory, University of Chicago
Classification: Uncertain significance. Last evaluated: 2017-04-17. Review status: criteria provided, single submitter. Criteria: ACMG Guidelines, 2015. Collection method: clinical testing. Allele origin: germline. Affected: no.

Literature cited by the submitters: PubMed 30287823 (cited by Ambry Genetics); PubMed 33309985 (cited by Ambry Genetics).

NM_000059.4(BRCA2):c.1295A>C (p.Glu432Ala)

Gene: BRCA2 (BRCA2 DNA repair associated; plus strand). Cytogenetic location: 13q13.1.
Variant type: single nucleotide variant.
Coding change: c.1295A>C on transcript NM_000059.4 (MANE Select); coding-DNA position 1295, A replaced by C.
Protein change: p.Glu432Ala; replaces glutamic acid 432 with alanine.
Molecular consequence: missense variant.
Genome position (GRCh38, 1-based): chr13:32,332,773, A>C. VCF-style: chr13-32332773-A-C. GRCh37 (hg19) VCF-style: chr13-32906910-A-C.
Other names: short protein forms E432A.
Identifiers: ClinVar variation 434535 (VCV000434535.13), dbSNP rs1161226532, ClinGen allele CA387762501.